The following is an entry in ClinVar:

NM_000535.7(PMS2):c.804-40C>T

Gene: PMS2 (PMS1 homolog 2, mismatch repair system component; minus strand). Cytogenetic location: 7p22.1.
Variant type: single nucleotide variant.
Coding change: c.804-40C>T on transcript NM_000535.7 (MANE Select); 40 bases into the intron before coding-DNA position 804, C replaced by T.
Molecular consequence: intron variant.
Genome position (GRCh38, 1-based): chr7:5,995,673, G>A on the plus strand (C>T on the coding strand, the complement: PMS2 is on the minus strand). VCF-style: chr7-5995673-G-A. GRCh37 (hg19) VCF-style: chr7-6035304-G-A.
Other names: c.486-40C>T (NM_001322008.2, NM_001406902.1, NM_001406883.1 and 4 more transcripts); c.495-40C>T (NM_001406881.1, NM_001406879.1, NM_001322015.2 and 6 more transcripts); c.399-40C>T (NM_001406895.1, NM_001322010.2, NM_001322004.2 and 19 more transcripts); c.133-3616C>T (NM_001406911.1); c.291-40C>T (NM_001406904.1, NM_001406905.1); c.231-40C>T (NM_001322013.2, NM_001406909.1); c.-130-40C>T (NM_001322012.2, NM_001322011.2); c.468-40C>T (NM_001406885.1); and 8 more.
Identifiers: ClinVar variation 3903973 (VCV003903973.1).

ClinVar aggregate classification (germline): Benign (1 of 4 stars; one submission).

Conditions:
Lynch syndrome 4 (LYNCH4). Also called: Colorectal cancer, hereditary nonpolyposis, type 4; Hereditary non-polyposis colorectal cancer, type 4. Identifiers: Orphanet 144, MedGen C1838333, MONDO:0013699, OMIM 614337. Disease mechanism: loss of function.

gnomAD v4.1: 5 of 1,339,234 alleles (0.00037%); highest among the groups gnomAD compares: African/African-American, 0.0043%; no homozygotes.

Submission:

Myriad Genetics, Inc.
Classification: Benign for Lynch syndrome 4. Last evaluated: 2025-01-28. Review status: criteria provided, single submitter. Criteria: Myriad Autosomal Dominant, Autosomal Recessive and X-Linked Classification Criteria (2023). Collection method: clinical testing. Allele origin: unknown.
Comment: This variant is considered benign. This variant is intronic and is not expected to impact mRNA splicing.